The following is an entry in ClinVar:

ClinVar aggregate classification (germline): Pathogenic/Likely pathogenic. Review status: criteria provided, multiple submitters, no conflicts (2 of 4 stars). 5 submissions from 5 submitters: Pathogenic (3); Likely pathogenic (1). 1 of the submissions does not count toward it. Last evaluated 2025-10-20.

Conditions:
Neuropathy, hereditary sensory and autonomic, type 2A (HSAN2A). Also called: WNK1-Related HSAN2 (HSAN2A); HSAN IIA; ACROOSTEOLYSIS, GIACCAI TYPE; ACROOSTEOLYSIS, NEUROGENIC; MORVAN DISEASE; NEUROPATHY, CONGENITAL SENSORY. Identifiers: Orphanet 970, MedGen C2752089, MONDO:0024309, OMIM 201300.
Generalized epilepsy with febrile seizures plus, type 7 (GEFSP7). Also called: GEFS+, TYPE 7. Identifiers: Orphanet 36387, MedGen C2751778, MONDO:0013470, OMIM 613863.
SCN9A-related disorder. Also called: SCN9A-related disorders; SCN9A-related condition.
Inborn genetic diseases. Identifiers: MedGen C0950123, MeSH D030342.
Channelopathy-associated congenital insensitivity to pain, autosomal recessive. Also called: ASYMBOLIA FOR PAIN; Insensitivity to pain, channelopathy-associated; CONGENITAL ANALGESIA, AUTOSOMAL RECESSIVE. Identifiers: Orphanet 88642, Orphanet 970, MedGen C1855739, MONDO:0009459, OMIM 243000.

Allele frequency attached by ClinVar (database versions not stated): TOPMed 0.00001.

Submissions (5):

Labcorp Genetics (formerly Invitae), Labcorp
Classification: Pathogenic for Neuropathy, hereditary sensory and autonomic, type 2A; Generalized epilepsy with febrile seizures plus, type 7. Last evaluated: 2025-10-20. Review status: criteria provided, single submitter. Criteria: Invitae Variant Classification Sherloc (09022015). Collection method: clinical testing. Allele origin: germline.
Comment: This sequence change creates a premature translational stop signal (p.Arg277*) in the SCN9A gene. It is expected to result in an absent or disrupted protein product. Loss-of-function variants in SCN9A are known to be pathogenic (PMID: 17470132, 19304393). This variant is present in population databases (rs121908916, gnomAD 0.004%). This premature translational stop signal has been observed in individuals with autosomal recessive congenital indifference to pain (PMID: 17470132). It has also been observed to segregate with disease in related individuals. ClinVar contains an entry for this variant (Variation ID: 6362). Algorithms developed to predict the effect of sequence changes on RNA splicing suggest that this variant may disrupt the consensus splice site. For these reasons, this variant has been classified as Pathogenic.

PreventionGenetics, part of Exact Sciences
Classification: Pathogenic for SCN9A-related condition. Last evaluated: 2024-12-10. Review status: criteria provided, single submitter. Criteria: ACMG Guidelines, 2015. Collection method: clinical testing. Allele origin: germline.
Comment: The SCN9A c.829C>T variant is predicted to result in premature protein termination (p.Arg277*). This variant has been reported in the homozygous state in two patients with congenital indifference to pain (Goldberg et al. 2007. PubMed ID: 17470132). This variant is reported in 0.0058% of alleles in individuals of Latino descent in gnomAD. Loss-of-function (LOF) variants in SCN9A are expected to be pathogenic for autosomal recessive congenital insensitivity to pain. Heterozygous LOF variants have been reported in a limited number of epilepsy patients with possible autosomal dominant or recessive inheritance (Hesse et al. 2018. PubMed ID: 29778030; Yang et al. 2018. PubMed ID: 29500686). However, the mechanism of LOF SCN9A variants for epilepsy has not been well elucidated. This variant is interpreted as pathogenic for autosomal recessive congenital insensitivity to pain; however, it's association with autosomal dominant disease is uncertain.

Blueprint Genetics
Classification: Likely pathogenic for SCN9A-related disorders. Last evaluated: 2023-06-09. Review status: criteria provided, single submitter. Criteria: ACMG Guidelines, 2015. Collection method: clinical testing. Allele origin: germline. Affected: yes. Observed: 1 variant allele.

Ambry Genetics
Classification: Pathogenic for Inborn genetic diseases. Last evaluated: 2020-10-13. Review status: criteria provided, single submitter. Criteria: Ambry Variant Classification Scheme 2023. Collection method: clinical testing. Allele origin: germline.
Comment: The p.R277* pathogenic mutation (also known as c.829C>T), located in coding exon 6 of the SCN9A gene, results from a C to T substitution at nucleotide position 829. This changes the amino acid from an arginine to a stop codon within coding exon 6. This alteration is expected to result in loss of function by premature protein truncation or nonsense-mediated mRNA decay. This alteration was previously reported in a homozygous state in individuals presenting with congenital insensitivity to pain (Goldberg YP et al. Clin Genet, 2007 Apr;71:311-9). As such, this alteration is interpreted as a disease-causing mutation.

OMIM
Classification: Pathogenic for INSENSITIVITY TO PAIN, CHANNELOPATHY-ASSOCIATED. Last evaluated: 2007-04-01. Review status: no assertion criteria provided. Collection method: literature only. Allele origin: germline. Not counted in ClinVar's aggregate classification.

Literature cited by the submitters: PubMed 17470132 (cited by 3 submitters); PubMed 19304393 (cited by Labcorp Genetics (formerly Invitae), Labcorp).

NM_001365536.1(SCN9A):c.829C>T (p.Arg277Ter)

Gene: SCN9A (sodium voltage-gated channel alpha subunit 9; minus strand). Cytogenetic location: 2q24.3.
Variant type: single nucleotide variant.
Coding change: c.829C>T on transcript NM_001365536.1 (MANE Select); coding-DNA position 829, C replaced by T.
Protein change: p.Arg277Ter; replaces arginine 277 with a stop codon.
Molecular consequence: nonsense.
Genome position (GRCh38, 1-based): chr2:166,303,162, G>A on the plus strand (C>T on the coding strand, the complement: SCN9A is on the minus strand). VCF-style: chr2-166303162-G-A. GRCh37 (hg19) VCF-style: chr2-167159672-G-A.
Other names: c.829C>T, p.Arg277Ter (NM_002977.4); short protein forms R277*.
Identifiers: ClinVar variation 6362 (VCV000006362.14), dbSNP rs121908916, ClinGen allele CA118158.